The following is an entry in ClinVar:

ClinVar aggregate classification (germline): Uncertain significance (1 of 4 stars; one submission).

Conditions:
Spinocerebellar ataxia type 19/22 (SCA19). Also called: SPINOCEREBELLAR ATAXIA 19; SPINOCEREBELLAR ATAXIA 22. Identifiers: Orphanet 98772, MedGen C1846367, MONDO:0011819, OMIM 607346.

Submission:

Labcorp Genetics (formerly Invitae), Labcorp
Classification: Uncertain significance for Spinocerebellar ataxia type 19/22. Last evaluated: 2024-07-30. Review status: criteria provided, single submitter. Criteria: Invitae Variant Classification Sherloc (09022015). Collection method: clinical testing. Allele origin: germline.
Comment: This sequence change replaces proline, which is neutral and non-polar, with serine, which is neutral and polar, at codon 633 of the KCND3 protein (p.Pro633Ser). This variant is present in population databases (rs780988439, gnomAD 0.006%). This missense change has been observed in individual(s) with cerebellar ataxia (PMID: 28444220). An algorithm developed to predict the effect of missense changes on protein structure and function (PolyPhen-2) suggests that this variant is likely to be tolerated. In summary, the available evidence is currently insufficient to determine the role of this variant in disease. Therefore, it has been classified as a Variant of Uncertain Significance.

Literature cited by the submitters: PubMed 28444220.

NM_001378969.1(KCND3):c.1897C>T (p.Pro633Ser)

Gene: KCND3 (potassium voltage-gated channel subfamily D member 3; minus strand). Cytogenetic location: 1p13.2.
Variant type: single nucleotide variant.
Coding change: c.1897C>T on transcript NM_001378969.1 (MANE Select); coding-DNA position 1897, C replaced by T.
Protein change: p.Pro633Ser; replaces proline 633 with serine.
Molecular consequence: missense variant.
Genome position (GRCh38, 1-based): chr1:111,776,148, G>A on the plus strand (C>T on the coding strand, the complement: KCND3 is on the minus strand). VCF-style: chr1-111776148-G-A. GRCh37 (hg19) VCF-style: chr1-112318770-G-A.
Other names: c.1840C>T, p.Pro614Ser (NM_001378970.1, NM_172198.3); c.1897C>T, p.Pro633Ser (NM_004980.5); short protein forms P614S, P633S.
Identifiers: ClinVar variation 3705251 (VCV003705251.2).